The following is an entry in ClinVar:

ClinVar aggregate classification (germline): Conflicting classifications of pathogenicity. Review status: criteria provided, conflicting classifications (1 of 4 stars). 3 submissions from 3 submitters: Uncertain significance (1); Likely benign (2). Last evaluated 2024-10-17.

Allele frequency attached by ClinVar (database versions not stated): TOPMed 0.00015.

Submissions (3):

Blueprint Genetics
Classification: Likely benign. Last evaluated: 2024-10-17. Review status: criteria provided, single submitter. Criteria: ACMG Guidelines, 2015. Collection method: clinical testing. Allele origin: germline.

CeGaT Center for Human Genetics Tuebingen
Classification: Likely benign. Last evaluated: 2024-08-01. Review status: criteria provided, single submitter. Criteria: CeGaT Center For Human Genetics Tuebingen Variant Classification Criteria Version 2. Collection method: clinical testing. Allele origin: germline. Affected: yes. Observed: 1 variant allele.
Comment: AP4E1: BP4, BP7

Genetic Services Laboratory, University of Chicago
Classification: Uncertain significance. Last evaluated: 2015-02-11. Review status: criteria provided, single submitter. Criteria: ACMG Guidelines, 2015. Collection method: clinical testing. Allele origin: germline.

NM_007347.5(AP4E1):c.1425G>A (p.Ala475=)

Gene: AP4E1 (adaptor related protein complex 4 subunit epsilon 1; plus strand). Cytogenetic location: 15q21.2.
Variant type: single nucleotide variant.
Coding change: c.1425G>A on transcript NM_007347.5 (MANE Select); coding-DNA position 1425, G replaced by A.
Protein change: p.Ala475=; no amino-acid change (alanine 475 retained).
Molecular consequence: synonymous variant.
Genome position (GRCh38, 1-based): chr15:50,949,934, G>A. VCF-style: chr15-50949934-G-A. GRCh37 (hg19) VCF-style: chr15-51242131-G-A.
Other names: c.1200G>A, p.Ala400= (NM_001252127.2).
Identifiers: ClinVar variation 210199 (VCV000210199.23), dbSNP rs369028190, ClinGen allele CA207490.